The following is an entry in ClinVar:

ClinVar aggregate classification (germline): Likely benign (1 of 4 stars; one submission).

Allele frequency attached by ClinVar (database versions not stated): TOPMed 0.00004; gnomAD 0.00001.
gnomAD v4.1: 24 of 1,613,124 alleles (0.0015%); highest among the groups gnomAD compares: Non-Finnish European, 0.0019%; no homozygotes.

Submission:

GeneDx
Classification: Likely benign. Last evaluated: 2016-08-09. Review status: criteria provided, single submitter. Criteria: GeneDx Variant Classification (06012015). Collection method: clinical testing. Allele origin: germline. Affected: yes.
Comment: This variant is considered likely benign or benign based on one or more of the following criteria: it is a conservative change, it occurs at a poorly conserved position in the protein, it is predicted to be benign by multiple in silico algorithms, and/or has population frequency not consistent with disease.

NM_018006.5(TRMU):c.942G>A (p.Ala314=)

Gene: TRMU (tRNA mitochondrial 2-thiouridylase; plus strand). Cytogenetic location: 22q13.31.
Variant type: single nucleotide variant.
Coding change: c.942G>A on transcript NM_018006.5 (MANE Select); coding-DNA position 942, G replaced by A.
Protein change: p.Ala314=; no amino-acid change (alanine 314 retained).
Molecular consequence: synonymous variant. On other transcripts: non-coding transcript variant (2).
Genome position (GRCh38, 1-based): chr22:46,355,512, G>A. VCF-style: chr22-46355512-G-A. GRCh37 (hg19) VCF-style: chr22-46751409-G-A.
Other names: c.600G>A, p.Ala200= (NM_001282782.2); c.522G>A, p.Ala174= (NM_001282783.2, NM_001282784.2); c.942G>A, p.Ala314= (NM_001282785.2).
Identifiers: ClinVar variation 388414 (VCV000388414.1), dbSNP rs767891094, ClinGen allele CA10292323.